The following is an entry in ClinVar:

ClinVar aggregate classification (germline): Uncertain significance (1 of 4 stars; one submission).

Conditions:
AHDC1-related disorder. Also called: AHDC1-related condition.

Allele frequency attached by ClinVar (database versions not stated): ExAC 0.00001; gnomAD 0.00001.

Submission:

PreventionGenetics, part of Exact Sciences
Classification: Uncertain significance for AHDC1-related condition. Last evaluated: 2022-12-16. Review status: criteria provided, single submitter. Criteria: ACMG Guidelines, 2015. Collection method: clinical testing. Allele origin: germline.
Comment: The AHDC1 c.1432A>T variant is predicted to result in the amino acid substitution p.Met478Leu. To our knowledge, this variant has not been reported in the literature. This variant is reported in 0.00090% of alleles in individuals of European (Non-Finnish) descent in gnomAD. At this time, the clinical significance of this variant is uncertain due to the absence of conclusive functional and genetic evidence.

NM_001371928.1(AHDC1):c.1432A>T (p.Met478Leu)

Gene: AHDC1 (AT-hook DNA binding motif containing 1; minus strand). Cytogenetic location: 1p36.11.
Variant type: single nucleotide variant.
Coding change: c.1432A>T on transcript NM_001371928.1 (MANE Select); coding-DNA position 1432, A replaced by T.
Protein change: p.Met478Leu; replaces methionine 478 with leucine.
Molecular consequence: missense variant.
Genome position (GRCh38, 1-based): chr1:27,550,684, T>A on the plus strand (A>T on the coding strand, the complement: AHDC1 is on the minus strand). VCF-style: chr1-27550684-T-A. GRCh37 (hg19) VCF-style: chr1-27877195-T-A.
Other names: c.1432A>T, p.Met478Leu (NM_001029882.3); short protein forms M478L.
Identifiers: ClinVar variation 2629712 (VCV002629712.1), dbSNP rs771613641, ClinGen allele CA715944.
Genomic context (GRCh38, chr1:27,550,684, plus strand): 5'-AGGAAGACACTTTGTATGTGGTCTTGTTCCGCCGCCCCAGCGATACGGGGATCTTGGCCA[T>A]CTTCACCACCATGCGCCGCACGCCCCGGCACTTGCCTTTGCGGGTAGAGACCACTGGGGT-3'
Protein context (NP_001358857.1, residues 468-488): CRGVRRMVVK[Met478Leu]AKIPVSLGRR